The following is an entry in ClinVar:

ClinVar aggregate classification (germline): Uncertain significance (1 of 4 stars; one submission).

Submission:

GeneDx
Classification: Uncertain significance. Last evaluated: 2023-07-24. Review status: criteria provided, single submitter. Criteria: GeneDx Variant Classification Process June 2021. Collection method: clinical testing. Allele origin: germline. Affected: yes.
Comment: Not observed at significant frequency in large population cohorts (gnomAD); In silico analysis supports that this missense variant has a deleterious effect on protein structure/function; Has not been previously published as pathogenic or benign to our knowledge

NM_001041.4(SI):c.4163T>C (p.Phe1388Ser)

Gene: SI (sucrase-isomaltase; minus strand). Cytogenetic location: 3q26.1.
Variant type: single nucleotide variant.
Coding change: c.4163T>C on transcript NM_001041.4 (MANE Select); coding-DNA position 4163, T replaced by C.
Protein change: p.Phe1388Ser; replaces phenylalanine 1388 with serine.
Molecular consequence: missense variant.
Genome position (GRCh38, 1-based): chr3:165,009,295, A>G on the plus strand (T>C on the coding strand, the complement: SI is on the minus strand). VCF-style: chr3-165009295-A-G. GRCh37 (hg19) VCF-style: chr3-164727083-A-G.
Other names: short protein forms F1388S.
Identifiers: ClinVar variation 3361535 (VCV003361535.1).
Genomic context (GRCh38, chr3:165,009,295, plus strand): 5'-CACAATAAATAACTTAAAACATAGATTGTTCAAAGCTTACTTACAATCCACAAACCATCA[A>G]ACTTCATCTTTTCATTGTAAAAGTCCACAATTTCTCTGGCCCACCACTCTGCTGTGGAAG-3'
Protein context (NP_001032.2, residues 1378-1398): IVDFYNEKMK[Phe1388Ser]DGLWIDMNEP